The following is an entry in ClinVar:

ClinVar aggregate classification (germline): Likely benign. Review status: criteria provided, multiple submitters, no conflicts (2 of 4 stars). 3 submissions from 3 submitters: Likely benign (3). Last evaluated 2026-01-25.

Conditions:
PDGFRA-related disorder. Also called: PDGFRA-related condition.
Hereditary cancer-predisposing syndrome. Also called: Hereditary Cancer Syndrome; Tumor predisposition; Hereditary neoplastic syndrome; Neoplastic Syndromes, Hereditary. Identifiers: Orphanet 140162, MedGen C0027672, MeSH D009386, MONDO:0015356.
Gastrointestinal stromal tumor. Also called: Gastrointestinal stroma tumor; Gastrointestinal stromal tumor, somatic. Identifiers: Orphanet 44890, MedGen C0238198, MeSH D046152, MONDO:0011719, OMIM 606764, HP:0100723.

Allele frequency attached by ClinVar (database versions not stated): gnomAD 0.00001; gnomAD exomes 0.00001 and 0.00005; TOPMed 0.00004; ExAC 0.00007.

Submissions (3):

Labcorp Genetics (formerly Invitae), Labcorp
Classification: Likely benign for Gastrointestinal stromal tumor. Last evaluated: 2026-01-25. Review status: criteria provided, single submitter. Criteria: Invitae Variant Classification Sherloc (09022015). Collection method: clinical testing. Allele origin: germline.

PreventionGenetics, part of Exact Sciences
Classification: Likely benign for PDGFRA-related condition. Last evaluated: 2025-10-08. Review status: criteria provided, single submitter. Criteria: ACMG Guidelines, 2015. Collection method: clinical testing. Allele origin: germline.
Comment: This variant is classified as likely benign based on ACMG/AMP sequence variant interpretation guidelines (Richards et al. 2015 PMID: 25741868, with internal and published modifications).

Ambry Genetics
Classification: Likely benign for Hereditary cancer-predisposing syndrome. Last evaluated: 2019-09-30. Review status: criteria provided, single submitter. Criteria: Ambry Variant Classification Scheme 2023. Collection method: clinical testing. Allele origin: germline.

NM_006206.6(PDGFRA):c.531C>T (p.Gly177=)

Gene: PDGFRA (platelet derived growth factor receptor alpha; plus strand). Cytogenetic location: 4q12.
Variant type: single nucleotide variant.
Coding change: c.531C>T on transcript NM_006206.6 (MANE Select); coding-DNA position 531, C replaced by T.
Protein change: p.Gly177=; no amino-acid change (glycine 177 retained).
Molecular consequence: synonymous variant.
Genome position (GRCh38, 1-based): chr4:54,263,830, C>T. VCF-style: chr4-54263830-C-T. GRCh37 (hg19) VCF-style: chr4-55129997-C-T.
Other names: c.531C>T, p.Gly177= (NM_001347827.2, NM_001347829.2); c.606C>T, p.Gly202= (NM_001347828.2); c.570C>T, p.Gly190= (NM_001347830.2); c.531C>T (NM_006206.5).
Identifiers: ClinVar variation 414492 (VCV000414492.15), dbSNP rs757842222, ClinGen allele CA2922307.